The following is an entry in ClinVar:

NM_014915.3(ANKRD26):c.4336A>C (p.Lys1446Gln)

Gene: ANKRD26 (ankyrin repeat domain containing 26; minus strand). Cytogenetic location: 10p12.1.
Variant type: single nucleotide variant.
Coding change: c.4336A>C on transcript NM_014915.3 (MANE Select); coding-DNA position 4336, A replaced by C.
Protein change: p.Lys1446Gln; replaces lysine 1446 with glutamine.
Molecular consequence: missense variant.
Genome position (GRCh38, 1-based): chr10:27,017,672, T>G on the plus strand (A>C on the coding strand, the complement: ANKRD26 is on the minus strand). VCF-style: chr10-27017672-T-G. GRCh37 (hg19) VCF-style: chr10-27306601-T-G.
Other names: c.4333A>C, p.Lys1445Gln (NM_001256053.2); short protein forms K1446Q, K1445Q.
Identifiers: ClinVar variation 3869531 (VCV003869531.1).
Genomic context (GRCh38, chr10:27,017,672, plus strand): 5'-CTATATGACTTCTCAGGTTGATCACTTCTTGTTCCAACTTCTTTTTATTCTTCTGTAGTT[T>G]TTCACATTTCTTTTGTACTGTTTTCATAGATAACAACTCCTCTTGAAGAATTTGGTTCTT-3'
Protein context (NP_055730.2, residues 1436-1456): SMKTVQKKCE[Lys1446Gln]LQKNKKKLEQ

ClinVar aggregate classification (germline): Uncertain significance (1 of 4 stars; one submission).

Conditions:
Inborn genetic diseases. Identifiers: MedGen C0950123, MeSH D030342.

Submission:

Ambry Genetics
Classification: Uncertain significance for Inborn genetic diseases. Last evaluated: 2024-12-21. Review status: criteria provided, single submitter. Criteria: Ambry Variant Classification Scheme 2023. Collection method: clinical testing. Allele origin: germline.
Comment: The p.K1446Q variant (also known as c.4336A>C), located in coding exon 30 of the ANKRD26 gene, results from an A to C substitution at nucleotide position 4336. The lysine at codon 1446 is replaced by glutamine, an amino acid with similar properties. This amino acid position is conserved. In addition, this alteration is predicted to be tolerated by in silico analysis. Based on the available evidence, the clinical significance of this variant remains unclear.